The following is an entry in ClinVar:

NM_001288705.3(CSF1R):c.161dup (p.Ser55fs)

Gene: CSF1R (colony stimulating factor 1 receptor; minus strand). Cytogenetic location: 5q32.
Variant type: Duplication.
Coding change: c.161dup on transcript NM_001288705.3 (MANE Select); coding-DNA position 161, one base duplicated (C; older notation c.161dupC).
Protein change: p.Ser55fs; shifts the reading frame from serine 55.
Molecular consequence: frameshift variant. On other transcripts: 5 prime UTR variant (1), non-coding transcript variant (2).
Genome position (GRCh38, 1-based): chr5:150,080,913, G duplicated on the plus strand (C on the coding strand, the reverse complement: CSF1R is on the minus strand); the first of 6 consecutive G bases (chr5:150,080,913-150,080,918); duplicating any one gives the same sequence. VCF-style (leftmost placement, unchanged base first): chr5-150080912-T-TG. GRCh37 (hg19) VCF-style: chr5-149460475-T-TG.
Other names: c.161dup, p.Ser55fs (NM_001349736.2, NM_001375320.1, NM_005211.4); c.-284dup (NM_001375321.1); short protein forms S55fs.
Identifiers: ClinVar variation 1356688 (VCV001356688.6), dbSNP rs753211296, ClinGen allele CA3507266.

ClinVar aggregate classification (germline): Pathogenic (1 of 4 stars; one submission).

Submission:

Labcorp Genetics (formerly Invitae), Labcorp
Classification: Pathogenic. Last evaluated: 2025-03-31. Review status: criteria provided, single submitter. Criteria: Invitae Variant Classification Sherloc (09022015). Collection method: clinical testing. Allele origin: germline.
Comment: This sequence change creates a premature translational stop signal (p.Ser55Ilefs*9) in the CSF1R gene. It is expected to result in an absent or disrupted protein product. Loss-of-function variants in CSF1R are known to be pathogenic (PMID: 22046273, 24120500, 24145216, 24336230, 30982608, 30982609). This variant is present in population databases (rs759017762, gnomAD 0.0009%). This variant has not been reported in the literature in individuals affected with CSF1R-related conditions. ClinVar contains an entry for this variant (Variation ID: 1356688). For these reasons, this variant has been classified as Pathogenic.

Literature cited by the submitters: PubMed 22046273; PubMed 24120500; PubMed 24145216; PubMed 24336230; PubMed 30982608; PubMed 30982609.